The following is an entry in ClinVar:

ClinVar aggregate classification (germline): Uncertain significance (1 of 4 stars; one submission).

Conditions:
Inborn genetic diseases. Identifiers: MedGen C0950123, MeSH D030342.

Submission:

Ambry Genetics
Classification: Uncertain significance for Inborn genetic diseases. Last evaluated: 2017-02-10. Review status: criteria provided, single submitter. Criteria: Ambry Variant Classification Scheme 2023. Collection method: clinical testing. Allele origin: germline.
Comment: The p.L1082F variant (also known as c.3244C>T), located in coding exon 16 of the NRXN1 gene, results from a C to T substitution at nucleotide position 3244. The leucine at codon 1082 is replaced by phenylalanine, an amino acid with highly similar properties. This amino acid position is highly conserved in available vertebrate species. In addition, the in silico prediction for this alteration is inconclusive. Since supporting evidence is limited at this time, the clinical significance of this alteration remains unclear.

NM_001330078.2(NRXN1):c.3124C>T (p.Leu1042Phe)

Gene: NRXN1 (neurexin 1; minus strand). Cytogenetic location: 2p16.3.
Variant type: single nucleotide variant.
Coding change: c.3124C>T on transcript NM_001330078.2 (MANE Select); coding-DNA position 3124, C replaced by T.
Protein change: p.Leu1042Phe; replaces leucine 1042 with phenylalanine.
Molecular consequence: missense variant.
Genome position (GRCh38, 1-based): chr2:50,472,418, G>A on the plus strand (C>T on the coding strand, the complement: NRXN1 is on the minus strand). VCF-style: chr2-50472418-G-A. GRCh37 (hg19) VCF-style: chr2-50699556-G-A.
Other names: c.3244C>T, p.Leu1082Phe (NM_001135659.3); c.3100C>T, p.Leu1034Phe (NM_001330077.2, NM_001330082.2); c.3058C>T, p.Leu1020Phe (NM_001330083.2, NM_001330084.2); c.3097C>T, p.Leu1033Phe (NM_001330085.2); c.3124C>T, p.Leu1042Phe (NM_001330086.2, NM_004801.6); c.3013C>T, p.Leu1005Phe (NM_001330087.2, NM_001330096.2); c.3043C>T, p.Leu1015Phe (NM_001330088.2); c.3121C>T, p.Leu1041Phe (NM_001330093.2); and 2 more; short protein forms L1082F, L1015F, L1025F, L1005F, L1034F, L1042F, L1020F, L1033F.
Identifiers: ClinVar variation 588794 (VCV000588794.5), dbSNP rs1558790367, ClinGen allele CA346772537.